The following is an entry in ClinVar:

NM_002382.5(MAX):c.172-6248T>C

Gene: MAX (MYC associated transcriptional regulator X; minus strand). Cytogenetic location: 14q23.3.
Variant type: single nucleotide variant.
Coding change: c.172-6248T>C on transcript NM_002382.5 (MANE Select); 6248 bases into the intron before coding-DNA position 172, T replaced by C.
Molecular consequence: intron variant. On other transcripts: missense variant (3), synonymous variant (1), non-coding transcript variant (4).
Genome position (GRCh38, 1-based): chr14:65,084,284, A>G on the plus strand (T>C on the coding strand, the complement: MAX is on the minus strand). VCF-style: chr14-65084284-A-G. GRCh37 (hg19) VCF-style: chr14-65551002-A-G.
Other names: c.-103-6248T>C (NM_001407107.1, NM_001320415.2, NM_001407105.1 and 1 more transcripts); c.145-6248T>C (NM_001407110.1, NM_001407102.1, NM_001407101.1 and 6 more transcripts); c.172-6248T>C (NM_001407094.1, NM_001407104.1, NM_001407103.1 and 3 more transcripts); c.64-6248T>C (NM_001407098.1); c.-196-6248T>C (NM_001407111.1, NM_001407112.1); c.160T>C, p.Trp54Arg (NM_001271068.2, NM_001407113.1); c.210T>C, p.Phe70= (NM_001407114.1); c.187T>C, p.Trp63Arg (NM_145114.3); and 2 more; short protein forms W63R, W54R.
Identifiers: ClinVar variation 5023979 (VCV005023979.1).

ClinVar aggregate classification (germline): Uncertain significance (1 of 4 stars; one submission).

Conditions:
Hereditary cancer-predisposing syndrome. Also called: Neoplastic Syndromes, Hereditary; Tumor predisposition; Hereditary neoplastic syndrome; Hereditary Cancer Syndrome. Identifiers: Orphanet 140162, MedGen C0027672, MeSH D009386, MONDO:0015356.

Submission:

Ambry Genetics
Classification: Uncertain significance for Hereditary cancer-predisposing syndrome. Last evaluated: 2026-07-07. Review status: criteria provided, single submitter. Criteria: Ambry Variant Classification Scheme 2023. Collection method: clinical testing. Allele origin: germline.
Comment: The p.W63R variant (also known as c.187T>C), located in coding exon 4 of the MAX gene, results from a T to C substitution at nucleotide position 187. The tryptophan at codon 63 is replaced by arginine, an amino acid with dissimilar properties. This amino acid position is conserved. In addition, this alteration is predicted to be tolerated by in silico analysis. Based on the available evidence, the clinical significance of this variant remains unclear.